The following is an entry in ClinVar:

ClinVar aggregate classification (germline): Pathogenic (1 of 4 stars; one submission).

Conditions:
Supravalvar aortic stenosis (SVAS). Also called: Supravalvar aortic stenosis, Eisenberg type. Identifiers: Orphanet 3193, MedGen C0003499, MONDO:0008504, OMIM 185500, HP:0004381.

Submission:

Labcorp Genetics (formerly Invitae), Labcorp
Classification: Pathogenic for Supravalvar aortic stenosis. Last evaluated: 2021-07-05. Review status: criteria provided, single submitter. Criteria: Invitae Variant Classification Sherloc (09022015). Collection method: clinical testing. Allele origin: germline.
Comment: For these reasons, this variant has been classified as Pathogenic. This sequence change creates a premature translational stop signal (p.Ala494Glyfs*122) in the ELN gene. It is expected to result in an absent or disrupted protein product. Loss-of-function variants in ELN are known to be pathogenic (PMID: 11175284). This variant is not present in population databases (ExAC no frequency). This variant has not been reported in the literature in individuals with ELN-related conditions.

Literature cited by the submitters: PubMed 11175284.

NM_000501.4(ELN):c.1393dup (p.Ala465fs)

Gene: ELN (elastin; plus strand). Cytogenetic location: 7q11.23.
Variant type: Duplication.
Coding change: c.1393dup on transcript NM_000501.4 (MANE Select); coding-DNA position 1393, one base duplicated (G; older notation c.1393dupG).
Protein change: p.Ala465fs; shifts the reading frame from alanine 465.
Molecular consequence: frameshift variant. On other transcripts: intron variant (7).
Genome position (GRCh38, 1-based): chr7:74,057,675, G duplicated. VCF-style (leftmost placement, unchanged base first): chr7-74057674-A-AG. GRCh37 (hg19) VCF-style: chr7-73472004-A-AG.
Other names: c.1408dup, p.Ala470fs (NM_001081754.3); c.1393dup, p.Ala465fs (NM_001278912.2, NM_001278915.2); c.1363dup, p.Ala455fs (NM_001278917.2); c.1480dup, p.Ala494fs (NM_001278939.2); c.1372+962dup (NM_001081753.3); c.1357+962dup (NM_001081755.3); c.1315+962dup (NM_001278916.2); c.1171+962dup (NM_001278913.2); and 3 more; short protein forms A465fs, A470fs, A494fs, A455fs.
Identifiers: ClinVar variation 1359460 (VCV001359460.6), dbSNP rs2132135741, ClinGen allele CA2573142296.
Genomic context (GRCh38, chr7:74,057,674, plus strand): 5'-CTCACCCCTTCTCTTCACACCTCCAGGAGTGGGGACCCCAGCAGCTGCAGCTGCTAAAGC[A>AG]GCCGCCAAAGCCGCCCAGTTTGGTAAGTCCCCCTCACCCCCGCCACTGGCTCACGGAGAA-3'